The following is an entry in ClinVar:

ClinVar aggregate classification (germline): Uncertain significance (1 of 4 stars; one submission).

Allele frequency attached by ClinVar (database versions not stated): gnomAD 0.00001; TOPMed 0.00001.
gnomAD v4.1: 2 of 1,614,022 alleles (0.00012%); highest among the groups gnomAD compares: Non-Finnish European, 0.00017%; no homozygotes.

Submission:

Labcorp Genetics (formerly Invitae), Labcorp
Classification: Uncertain significance. Last evaluated: 2022-07-06. Review status: criteria provided, single submitter. Criteria: Invitae Variant Classification Sherloc (09022015). Collection method: clinical testing. Allele origin: germline.
Comment: In summary, the available evidence is currently insufficient to determine the role of this variant in disease. Therefore, it has been classified as a Variant of Uncertain Significance. Algorithms developed to predict the effect of missense changes on protein structure and function output the following: SIFT: "Tolerated"; PolyPhen-2: "Benign"; Align-GVGD: "Class C0". The threonine amino acid residue is found in multiple mammalian species, which suggests that this missense change does not adversely affect protein function. ClinVar contains an entry for this variant (Variation ID: 1516353). This variant has not been reported in the literature in individuals affected with PEX11B-related conditions. This variant is not present in population databases (gnomAD no frequency). This sequence change replaces alanine, which is neutral and non-polar, with threonine, which is neutral and polar, at codon 215 of the PEX11B protein (p.Ala215Thr).

NM_003846.3(PEX11B):c.643G>A (p.Ala215Thr)

Gene: PEX11B (peroxisomal biogenesis factor 11 beta; minus strand). Cytogenetic location: 1q21.1.
Variant type: single nucleotide variant.
Coding change: c.643G>A on transcript NM_003846.3 (MANE Select); coding-DNA position 643, G replaced by A.
Protein change: p.Ala215Thr; replaces alanine 215 with threonine.
Molecular consequence: missense variant. On other transcripts: non-coding transcript variant (3).
Genome position (GRCh38, 1-based): chr1:145,912,298, C>T on the plus strand (G>A on the coding strand, the complement: PEX11B is on the minus strand). VCF-style: chr1-145912298-C-T. GRCh37 (hg19) VCF-style: chr1-145522782-G-A.
Other names: c.601G>A, p.Ala201Thr (NM_001184795.1); short protein forms A201T, A215T.
Identifiers: ClinVar variation 1516353 (VCV001516353.8), dbSNP rs1449329894, ClinGen allele CA342120719.